The following is an entry in ClinVar:

ClinVar aggregate classification (germline): Uncertain significance. Review status: criteria provided, multiple submitters, no conflicts (2 of 4 stars). 2 submissions from 2 submitters: Uncertain significance (2). Last evaluated 2024-05-15.

Conditions:
Paroxysmal nonkinesigenic dyskinesia. Also called: Paroxysmal non-kinesigenic dyskinesia. Identifiers: Orphanet 98810, MedGen C1869117, MONDO:0700088.
Paroxysmal nonkinesigenic dyskinesia 1 (PNKD1). Also called: PxMD-PNKD; MOUNT-REBACK SYNDROME; PAROXYSMAL DYSTONIC CHOREOATHETOSIS; Familial Paroxysmal Nonkinesigenic Dyskinesia; Nonkinesigenic choreoathetosis; Familial paroxysmal choreoathetosis. Identifiers: Orphanet 98810, MedGen C4551506, MONDO:0700089, OMIM 118800, MONDO:0007326.

Allele frequency attached by ClinVar (database versions not stated): gnomAD 0.00002; TOPMed 0.00002.
gnomAD v4.1: 17 of 1,607,946 alleles (0.0011%); highest among the groups gnomAD compares: South Asian, 0.0055%; no homozygotes.

Submissions (2):

Labcorp Genetics (formerly Invitae), Labcorp
Classification: Uncertain significance for Paroxysmal nonkinesigenic dyskinesia. Last evaluated: 2024-05-15. Review status: criteria provided, single submitter. Criteria: Invitae Variant Classification Sherloc (09022015). Collection method: clinical testing. Allele origin: germline.
Comment: This sequence change replaces arginine, which is basic and polar, with histidine, which is basic and polar, at codon 114 of the PNKD protein (p.Arg114His). This variant is present in population databases (rs781140528, gnomAD 0.005%). This variant has not been reported in the literature in individuals affected with PNKD-related conditions. ClinVar contains an entry for this variant (Variation ID: 895492). Advanced modeling of protein sequence and biophysical properties (such as structural, functional, and spatial information, amino acid conservation, physicochemical variation, residue mobility, and thermodynamic stability) performed at Invitae indicates that this missense variant is not expected to disrupt PNKD protein function with a negative predictive value of 80%. In summary, the available evidence is currently insufficient to determine the role of this variant in disease. Therefore, it has been classified as a Variant of Uncertain Significance.

Illumina Laboratory Services, Illumina
Classification: Uncertain significance for Paroxysmal nonkinesigenic dyskinesia 1. Last evaluated: 2018-01-12. Review status: criteria provided, single submitter. Criteria: ICSL Variant Classification Criteria 13 December 2019. Collection method: clinical testing. Allele origin: germline.

NM_015488.5(PNKD):c.341G>A (p.Arg114His)

Genes: CATIP-AS2 (CATIP antisense RNA 2; minus strand), PNKD (PNKD metallo-beta-lactamase domain containing; plus strand). Cytogenetic location: 2q35.
Variant type: single nucleotide variant.
Coding change: c.341G>A on transcript NM_015488.5 (MANE Select); coding-DNA position 341, G replaced by A.
Protein change: p.Arg114His; replaces arginine 114 with histidine.
Molecular consequence: missense variant.
Genome position (GRCh38, 1-based): chr2:218,339,887, G>A. VCF-style: chr2-218339887-G-A. GRCh37 (hg19) VCF-style: chr2-219204610-G-A.
Other names: c.269G>A, p.Arg90His (NM_022572.5); short protein forms R90H, R114H.
Identifiers: ClinVar variation 895492 (VCV000895492.9), dbSNP rs781140528, ClinGen allele CA2103902.